The following is an entry in ClinVar:

ClinVar aggregate classification (germline): Uncertain significance. Review status: criteria provided, multiple submitters, no conflicts (2 of 4 stars). 2 submissions from 2 submitters: Uncertain significance (2). Last evaluated 2025-12-13.

Conditions:
Tietz syndrome (TADS). Also called: ALBINISM-DEAFNESS OF TIETZ; HYPOPIGMENTATION/DEAFNESS OF TIETZ; TIETZ ALBINISM-DEAFNESS SYNDROME. Identifiers: Orphanet 42665, MedGen C0391816, MONDO:0007077, OMIM 103500.
Waardenburg syndrome type 2A (WS2A). Also called: WAARDENBURG SYNDROME WITHOUT DYSTOPIA CANTHORUM. Identifiers: Orphanet 3440, MedGen C1860339, MONDO:0008671, OMIM 193510.
Melanoma, cutaneous malignant, susceptibility to, 8. Also called: MELANOMA AND RENAL CELL CARCINOMA, SUSCEPTIBILITY TO; Cutaneous malignant melanoma 8. Identifiers: Orphanet 293822, MedGen C3152204, MONDO:0013759, OMIM 614456.

gnomAD v4.1: 4 of 1,614,154 alleles (0.00025%); highest among the groups gnomAD compares: Admixed American, 0.005%; no homozygotes.

Submissions (2):

Labcorp Genetics (formerly Invitae), Labcorp
Classification: Uncertain significance for Melanoma, cutaneous malignant, susceptibility to, 8; Waardenburg syndrome type 2A; Tietz syndrome. Last evaluated: 2025-12-13. Review status: criteria provided, single submitter. Criteria: Invitae Variant Classification Sherloc (09022015). Collection method: clinical testing. Allele origin: germline.
Comment: This sequence change replaces glycine, which is neutral and non-polar, with arginine, which is basic and polar, at codon 58 of the MITF protein (p.Gly58Arg). This variant is present in population databases (no rsID available, gnomAD 0.009%). This variant has not been reported in the literature in individuals affected with MITF-related conditions. ClinVar contains an entry for this variant (Variation ID: 1929327). Invitae Evidence Modeling of protein sequence and biophysical properties (such as structural, functional, and spatial information, amino acid conservation, physicochemical variation, residue mobility, and thermodynamic stability) indicates that this missense variant is not expected to disrupt MITF protein function with a negative predictive value of 80%. In summary, the available evidence is currently insufficient to determine the role of this variant in disease. Therefore, it has been classified as a Variant of Uncertain Significance.

GeneDx
Classification: Uncertain significance. Last evaluated: 2024-12-04. Review status: criteria provided, single submitter. Criteria: GeneDx Variant Classification Process June 2021. Collection method: clinical testing. Allele origin: germline.
Comment: Observed in individual(s) with autism spectrum disorder (PMID: 31981491); In silico analysis indicates that this missense variant does not alter protein structure/function; This variant is associated with the following publications: (PMID: 31771860, 31981491)

NM_001354604.2(MITF):c.493G>C (p.Gly165Arg)

Gene: MITF (melanocyte inducing transcription factor; plus strand). Cytogenetic location: 3p13.
Variant type: single nucleotide variant.
Coding change: c.493G>C on transcript NM_001354604.2 (MANE Select); coding-DNA position 493, G replaced by C.
Protein change: p.Gly165Arg; replaces glycine 165 with arginine.
Molecular consequence: missense variant. On other transcripts: intron variant (1).
Genome position (GRCh38, 1-based): chr3:69,937,960, G>C. VCF-style: chr3-69937960-G-C. GRCh37 (hg19) VCF-style: chr3-69987111-G-C.
Other names: c.172G>C, p.Gly58Arg (NM_000248.4, NM_001184968.2, NM_198158.3); c.337G>C, p.Gly113Arg (NM_001184967.2, NM_001354608.2); c.490G>C, p.Gly164Arg (NM_001354605.2, NM_001354606.2, NM_006722.3); c.442G>C, p.Gly148Arg (NM_001354607.2); c.493G>C, p.Gly165Arg (NM_198159.3); c.445G>C, p.Gly149Arg (NM_198177.3); c.93+79G>C (NM_198178.3); short protein forms G148R, G165R, G149R, G58R, G113R, G164R.
Identifiers: ClinVar variation 1929327 (VCV001929327.7), dbSNP rs1179298440, ClinGen allele CA353560558.
Genomic context (GRCh38, chr3:69,937,960, plus strand): 5'-ACCACTTTAGCAAATAAACATGCCAACCAAGTCCTGAGCTTGCCATGTCCAAACCAGCCT[G>C]GCGATCATGTCATGCCACCGGTGCCGGGGAGCAGCGCACCCAACAGCCCCATGGCTATGC-3'
Protein context (NP_001341533.1, residues 155-175): VLSLPCPNQP[Gly165Arg]DHVMPPVPGS